The following is an entry in ClinVar:

ClinVar aggregate classification (germline): Uncertain significance (1 of 4 stars; one submission).

Submission:

GeneDx
Classification: Uncertain significance. Last evaluated: 2020-01-07. Review status: criteria provided, single submitter. Criteria: GeneDx Variant Classification Process June 2021. Collection method: clinical testing. Allele origin: germline. Affected: yes.
Comment: Not observed in large population cohorts (Lek et al., 2016); In silico analysis, which includes protein predictors and evolutionary conservation, supports a deleterious effect; Has not been previously published as pathogenic or benign to our knowledge

NM_001190274.2(FBXO11):c.2321T>C (p.Phe774Ser)

Gene: FBXO11 (F-box protein 11; minus strand). Cytogenetic location: 2p16.3.
Variant type: single nucleotide variant.
Coding change: c.2321T>C on transcript NM_001190274.2 (MANE Select); coding-DNA position 2321, T replaced by C.
Protein change: p.Phe774Ser; replaces phenylalanine 774 with serine.
Molecular consequence: missense variant.
Genome position (GRCh38, 1-based): chr2:47,810,333, A>G on the plus strand (T>C on the coding strand, the complement: FBXO11 is on the minus strand). VCF-style: chr2-47810333-A-G. GRCh37 (hg19) VCF-style: chr2-48037472-A-G.
Other names: c.2069T>C, p.Phe690Ser (NM_001374325.1, NM_025133.4); short protein forms F690S, F774S.
Identifiers: ClinVar variation 1311954 (VCV001311954.2), dbSNP rs2104633091, ClinGen allele CA346762917.